The following is an entry in ClinVar:

NM_133433.4(NIPBL):c.479C>T (p.Thr160Ile)

Gene: NIPBL (NIPBL cohesin loading factor; plus strand). Cytogenetic location: 5p13.2.
Variant type: single nucleotide variant.
Coding change: c.479C>T on transcript NM_133433.4 (MANE Select); coding-DNA position 479, C replaced by T.
Protein change: p.Thr160Ile; replaces threonine 160 with isoleucine.
Molecular consequence: missense variant.
Genome position (GRCh38, 1-based): chr5:36,962,143, C>T. VCF-style: chr5-36962143-C-T. GRCh37 (hg19) VCF-style: chr5-36962245-C-T.
Other names: c.479C>T, p.Thr160Ile (NM_015384.5); short protein forms T160I.
Identifiers: ClinVar variation 978121 (VCV000978121.4), dbSNP rs763783306, ClinGen allele CA359476346.

ClinVar aggregate classification (germline): Uncertain significance. Review status: criteria provided, multiple submitters, no conflicts (2 of 4 stars). 2 submissions from 2 submitters: Uncertain significance (2). Last evaluated 2024-03-07.

Conditions:
Cornelia de Lange syndrome 1 (CDLS1). Also called: TYPUS DEGENERATIVUS AMSTELODAMENSIS; Brachmann de Lange syndrome; NIPBL-Related Cornelia de Lange Syndrome. Identifiers: Orphanet 199, MedGen C4551851, MONDO:0007387, OMIM 122470.

Submissions (2):

Labcorp Genetics (formerly Invitae), Labcorp
Classification: Uncertain significance for Cornelia de Lange syndrome 1. Last evaluated: 2024-03-07. Review status: criteria provided, single submitter. Criteria: Invitae Variant Classification Sherloc (09022015). Collection method: clinical testing. Allele origin: germline.
Comment: This sequence change replaces threonine, which is neutral and polar, with isoleucine, which is neutral and non-polar, at codon 160 of the NIPBL protein (p.Thr160Ile). This variant is not present in population databases (gnomAD no frequency). This variant has not been reported in the literature in individuals affected with NIPBL-related conditions. ClinVar contains an entry for this variant (Variation ID: 978121). Advanced modeling of protein sequence and biophysical properties (such as structural, functional, and spatial information, amino acid conservation, physicochemical variation, residue mobility, and thermodynamic stability) has been performed at Invitae for this missense variant, however the output from this modeling did not meet the statistical confidence thresholds required to predict the impact of this variant on NIPBL protein function. In summary, the available evidence is currently insufficient to determine the role of this variant in disease. Therefore, it has been classified as a Variant of Uncertain Significance.

New York Genome Center
Classification: Uncertain significance for Cornelia de Lange syndrome 1. Last evaluated: 2020-03-13. Review status: criteria provided, single submitter. Criteria: NYGC Assertion Criteria 2020. Collection method: clinical testing. Allele origin: inherited. Observed: 1 heterozygote. Study: CSER-NYCKidSeq.